The following is an entry in ClinVar:

NM_005245.4(FAT1):c.1643G>A (p.Arg548His)

Gene: FAT1 (FAT atypical cadherin 1; minus strand). Cytogenetic location: 4q35.2.
Variant type: single nucleotide variant.
Coding change: c.1643G>A on transcript NM_005245.4 (MANE Select); coding-DNA position 1643, G replaced by A.
Protein change: p.Arg548His; replaces arginine 548 with histidine.
Molecular consequence: missense variant.
Genome position (GRCh38, 1-based): chr4:186,708,185, C>T on the plus strand (G>A on the coding strand, the complement: FAT1 is on the minus strand). VCF-style: chr4-186708185-C-T. GRCh37 (hg19) VCF-style: chr4-187629339-C-T.
Other names: short protein forms R548H.
Identifiers: ClinVar variation 809717 (VCV000809717.46), dbSNP rs202126944, ClinGen allele CA3167424.

ClinVar aggregate classification (germline): Uncertain significance. Review status: criteria provided, multiple submitters, no conflicts (2 of 4 stars). 2 submissions from 2 submitters: Uncertain significance (2). Last evaluated 2023-12-07.

Allele frequency attached by ClinVar (database versions not stated): gnomAD 0.00011; TOPMed 0.00011; ExAC 0.00012; gnomAD exomes 0.00014; ESP Exome Variant Server 0.00017.
gnomAD v4.1: 195 of 1,613,852 alleles (0.012%); highest among the groups gnomAD compares: Middle Eastern, 0.082%; no homozygotes.

Submissions (2):

Labcorp Genetics (formerly Invitae), Labcorp
Classification: Uncertain significance. Last evaluated: 2023-12-07. Review status: criteria provided, single submitter. Criteria: Invitae Variant Classification Sherloc (09022015). Collection method: clinical testing. Allele origin: germline.
Comment: This sequence change replaces arginine, which is basic and polar, with histidine, which is basic and polar, at codon 548 of the FAT1 protein (p.Arg548His). This variant is present in population databases (rs202126944, gnomAD 0.02%). This variant has not been reported in the literature in individuals affected with FAT1-related conditions. ClinVar contains an entry for this variant (Variation ID: 809717). An algorithm developed to predict the effect of missense changes on protein structure and function (PolyPhen-2) suggests that this variant is likely to be disruptive. In summary, the available evidence is currently insufficient to determine the role of this variant in disease. Therefore, it has been classified as a Variant of Uncertain Significance.

CeGaT Center for Human Genetics Tuebingen
Classification: Uncertain significance. Last evaluated: 2019-04-01. Review status: criteria provided, single submitter. Criteria: CeGaT Center For Human Genetics Tuebingen Variant Classification Criteria Version 2. Collection method: clinical testing. Allele origin: germline. Affected: yes. Observed: 1 variant allele.